The following is an entry in ClinVar:

ClinVar aggregate classification (germline): Pathogenic (1 of 4 stars; one submission).

Conditions:
Breast-ovarian cancer, familial, susceptibility to, 2 (BROVCA2). Also called: BRCA2 Hereditary Breast and Ovarian Cancer. Identifiers: Orphanet 145, MedGen C2675520, MONDO:0012933, OMIM 612555. Disease mechanism: loss of function.

Submission:

Myriad Genetics, Inc.
Classification: Pathogenic for Breast-ovarian cancer, familial, susceptibility to, 2. Last evaluated: 2023-06-08. Review status: criteria provided, single submitter. Criteria: Myriad Autosomal Dominant, Autosomal Recessive and X-Linked Classification Criteria (2023). Collection method: clinical testing. Allele origin: unknown.
Comment: This variant is considered pathogenic. This variant occurs within a consensus splice junction and is predicted to result in abnormal mRNA splicing of either an out-of-frame exon or an in-frame exon necessary for protein stability and/or normal function. This variant is strongly associated with more severe personal and family histories of cancer, typical for individuals with pathogenic variants in this gene [PMID: 25085752, Myriad internal data].

Literature cited by the submitters: PubMed 25085752.

NM_000059.4(BRCA2):c.7618-2A>T

Gene: BRCA2 (BRCA2 DNA repair associated; plus strand). Cytogenetic location: 13q13.1.
Variant type: single nucleotide variant.
Coding change: c.7618-2A>T on transcript NM_000059.4 (MANE Select); the canonical splice acceptor site of the intron before coding-DNA position 7618, A replaced by T.
Molecular consequence: splice acceptor variant.
Genome position (GRCh38, 1-based): chr13:32,357,740, A>T. VCF-style: chr13-32357740-A-T. GRCh37 (hg19) VCF-style: chr13-32931877-A-T.
Other names: c.7618-2A>T (NM_001406720.1); c.7522-2A>T (NM_001406719.1); c.2686-2A>T (NM_001406721.1); c.1201-2A>T (NM_001406722.1).
Identifiers: ClinVar variation 2584170 (VCV002584170.2), dbSNP rs886040940, ClinGen allele CA387744748.